The following is an entry in ClinVar:

ClinVar aggregate classification (germline): Likely benign. Review status: criteria provided, single submitter (1 of 4 stars). 2 submissions from 2 submitters: Likely benign (1). 1 of the submissions does not count toward it. Last evaluated 2025-06-13.

Conditions:
CTSF-related disorder. Also called: CTSF-related condition.

Allele frequency attached by ClinVar (database versions not stated): ESP Exome Variant Server 0.00023; gnomAD exomes 0.00001; TOPMed 0.00008; ExAC 0.00001; gnomAD 0.00008.
gnomAD v4.1: 25 of 1,614,100 alleles (0.0015%); highest among the groups gnomAD compares: African/African-American, 0.028%; no homozygotes.

Submissions (2):

Mayo Clinic Laboratories, Mayo Clinic
Classification: Likely benign. Last evaluated: 2025-06-13. Review status: criteria provided, single submitter. Criteria: ACMG Guidelines, 2015. Collection method: clinical testing. Allele origin: germline. Observed: 1 variant allele.
Comment: BP4, BP7

PreventionGenetics, part of Exact Sciences
Classification: Likely benign for CTSF-related condition. Last evaluated: 2019-05-07. Review status: no assertion criteria provided. Collection method: clinical testing. Allele origin: germline. Not counted in ClinVar's aggregate classification.
Comment: This variant is classified as likely benign based on ACMG/AMP sequence variant interpretation guidelines (Richards et al. 2015 PMID: 25741868, with internal and published modifications).

NM_003793.4(CTSF):c.420C>T (p.Ala140=)

Gene: CTSF (cathepsin F; minus strand). Cytogenetic location: 11q13.2.
Variant type: single nucleotide variant.
Coding change: c.420C>T on transcript NM_003793.4 (MANE Select); coding-DNA position 420, C replaced by T.
Protein change: p.Ala140=; no amino-acid change (alanine 140 retained).
Molecular consequence: synonymous variant.
Genome position (GRCh38, 1-based): chr11:66,567,555, G>A on the plus strand (C>T on the coding strand, the complement: CTSF is on the minus strand). VCF-style: chr11-66567555-G-A. GRCh37 (hg19) VCF-style: chr11-66335026-G-A.
Other names: p.Ala140=.
Identifiers: ClinVar variation 3037581 (VCV003037581.3), dbSNP rs149140177, ClinGen allele CA6125589.
Genomic context (GRCh38, chr11:66,567,555, plus strand): 5'-GTTTCTGTTGTCTGGATGGTTTTGGGACAGAGAAGAAATCATGGCTGAGCCCTGAGTGAA[G>A]GCTGACTTGGGCTCCCCAGCACCTGGAACCTTGGTGTCCACTGGGCCACAGTCCTTCCGC-3'
Protein context (NP_003784.2, residues 130-150): KVPGAGEPKS[Ala140=]FTQGSAMISS